The following is an entry in ClinVar:

ClinVar aggregate classification (germline): Uncertain significance. Review status: criteria provided, multiple submitters, no conflicts (2 of 4 stars). 3 submissions from 3 submitters: Uncertain significance (3). Last evaluated 2024-05-21.

Conditions:
Hyperinsulinemic hypoglycemia, familial, 1 (HHF1). Also called: Persistent hyperinsulinemic hypoglycemia of infancy; Persistent Hyperinsulinemia Hypoglycemia of Infancy; HYPERINSULINISM, FAMILIAL, WITH PANCREATIC NESIDIOBLASTOSIS; HYPOGLYCEMIA, HYPERINSULINEMIC, OF INFANCY; NESIDIOBLASTOSIS OF PANCREAS. Identifiers: Orphanet 276575, Orphanet 276598, MedGen C2931832, MONDO:0009734, OMIM 256450.
Leucine-induced hypoglycemia (LIH). Also called: LEUCINE-SENSITIVE HYPOGLYCEMIA OF INFANCY. Identifiers: MedGen C0271714, MONDO:0009415, OMIM 240800.
Type 2 diabetes mellitus. Also called: Type II diabetes mellitus. Identifiers: MedGen C0011860, MeSH D003924, MONDO:0005148, OMIM 125853, HP:0005978.
Diabetes mellitus, transient neonatal, 2 (TNDM2). Identifiers: Orphanet 99886, MedGen C1835887, MONDO:0012480, OMIM 610374. Disease mechanism: loss of function.
Diabetes mellitus, permanent neonatal 3. Also called: ABCC8-Related Permanent Neonatal Diabetes Mellitus. Identifiers: MedGen C5394303, MONDO:0030088, OMIM 618857.

Allele frequency attached by ClinVar (database versions not stated): ExAC 0.00002; gnomAD exomes 0.00003; gnomAD 0.00005; TOPMed 0.00005.
gnomAD v4.1: 60 of 1,614,038 alleles (0.0037%); highest among the groups gnomAD compares: African/African-American, 0.0093%; no homozygotes.

Submissions (3):

Fulgent Genetics
Classification: Uncertain significance for Type 2 diabetes mellitus; Leucine-induced hypoglycemia; Hyperinsulinemic hypoglycemia, familial, 1; Diabetes mellitus, transient neonatal, 2; Diabetes mellitus, permanent neonatal 3. Last evaluated: 2024-05-21. Review status: criteria provided, single submitter. Criteria: ACMG Guidelines, 2015. Collection method: clinical testing. Allele origin: germline.

Labcorp Genetics (formerly Invitae), Labcorp
Classification: Uncertain significance. Last evaluated: 2024-04-02. Review status: criteria provided, single submitter. Criteria: Invitae Variant Classification Sherloc (09022015). Collection method: clinical testing. Allele origin: germline.
Comment: This sequence change replaces arginine, which is basic and polar, with histidine, which is basic and polar, at codon 957 of the ABCC8 protein (p.Arg957His). This variant is present in population databases (rs775921458, gnomAD 0.01%). This variant has not been reported in the literature in individuals affected with ABCC8-related conditions. ClinVar contains an entry for this variant (Variation ID: 1325991). Advanced modeling of protein sequence and biophysical properties (such as structural, functional, and spatial information, amino acid conservation, physicochemical variation, residue mobility, and thermodynamic stability) has been performed at Invitae for this missense variant, however the output from this modeling did not meet the statistical confidence thresholds required to predict the impact of this variant on ABCC8 protein function. In summary, the available evidence is currently insufficient to determine the role of this variant in disease. Therefore, it has been classified as a Variant of Uncertain Significance.

GeneDx
Classification: Uncertain significance. Last evaluated: 2021-05-21. Review status: criteria provided, single submitter. Criteria: GeneDx Variant Classification Process June 2021. Collection method: clinical testing. Allele origin: germline. Affected: yes.
Comment: In silico analysis supports that this missense variant has a deleterious effect on protein structure/function; This variant is associated with the following publications: (PMID: 29631995, 30354297)

NM_000352.6(ABCC8):c.2870G>A (p.Arg957His)

Gene: ABCC8 (ATP binding cassette subfamily C member 8; minus strand). Cytogenetic location: 11p15.1.
Variant type: single nucleotide variant.
Coding change: c.2870G>A on transcript NM_000352.6 (MANE Select); coding-DNA position 2870, G replaced by A.
Protein change: p.Arg957His; replaces arginine 957 with histidine.
Molecular consequence: missense variant. On other transcripts: non-coding transcript variant (1).
Genome position (GRCh38, 1-based): chr11:17,407,404, C>T on the plus strand (G>A on the coding strand, the complement: ABCC8 is on the minus strand). VCF-style: chr11-17407404-C-T. GRCh37 (hg19) VCF-style: chr11-17428951-C-T.
Other names: c.2873G>A, p.Arg958His (NM_001287174.3); c.2936G>A, p.Arg979His (NM_001351295.2); c.2870G>A, p.Arg957His (NM_001351296.2); c.2867G>A, p.Arg956His (NM_001351297.2); short protein forms R956H, R957H, R958H, R979H.
Identifiers: ClinVar variation 1325991 (VCV001325991.5), dbSNP rs775921458, ClinGen allele CA5902996.
Genomic context (GRCh38, chr11:17,407,404, plus strand): 5'-TTGCCTGTACCTTCCTCCTCTTCCTCATCCTGCAGAAGGCCATCCCTCGAGGACATGGCA[C>T]GAGATAGGCCCTGGGGTGGCTCTGTGGCTTTTCTCTCTGTGACAGTCTCCTAAAAGACAG-3'
Protein context (NP_000343.2, residues 947-967): KATEPPQGLS[Arg957His]AMSSRDGLLQ